The following is an entry in ClinVar:

ClinVar aggregate classification (germline): Benign/Likely benign. Review status: criteria provided, multiple submitters, no conflicts (2 of 4 stars). 3 submissions from 3 submitters: Benign (1); Likely benign (1). 1 of the submissions does not count toward it. Last evaluated 2025-05-01.

Conditions:
ZFHX3-related disorder. Also called: ZFHX3-related condition.

Allele frequency attached by ClinVar (database versions not stated): gnomAD exomes 0.00030; ExAC 0.00068; ESP Exome Variant Server 0.00201; 1000 Genomes Project 0.00280; 1000 Genomes Project 30x 0.00281.
gnomAD v4.1: 763 of 1,594,640 alleles (0.048%); highest among the groups gnomAD compares: African/African-American, 0.68%; 3 homozygotes.

Submissions (3):

CeGaT Center for Human Genetics Tuebingen
Classification: Benign. Last evaluated: 2025-05-01. Review status: criteria provided, single submitter. Criteria: CeGaT Center For Human Genetics Tuebingen Variant Classification Criteria Version 2. Collection method: clinical testing. Allele origin: germline. Affected: yes. Observed: 1 variant allele.
Comment: ZFHX3: BS1, BS2

Blueprint Genetics
Classification: Likely benign. Last evaluated: 2024-08-06. Review status: criteria provided, single submitter. Criteria: ACMG Guidelines, 2015. Collection method: clinical testing. Allele origin: germline.

PreventionGenetics, part of Exact Sciences
Classification: Likely benign for ZFHX3-related condition. Last evaluated: 2019-08-21. Review status: no assertion criteria provided. Collection method: clinical testing. Allele origin: germline. Not counted in ClinVar's aggregate classification.
Comment: This variant is classified as likely benign based on ACMG/AMP sequence variant interpretation guidelines (Richards et al. 2015 PMID: 25741868, with internal and published modifications).

NM_006885.4(ZFHX3):c.311C>T (p.Pro104Leu)

Gene: ZFHX3 (zinc finger homeobox 3; minus strand). Cytogenetic location: 16q22.3.
Variant type: single nucleotide variant.
Coding change: c.311C>T on transcript NM_006885.4 (MANE Select); coding-DNA position 311, C replaced by T.
Protein change: p.Pro104Leu; replaces proline 104 with leucine.
Molecular consequence: missense variant. On other transcripts: intron variant (1).
Genome position (GRCh38, 1-based): chr16:72,959,835, G>A on the plus strand (C>T on the coding strand, the complement: ZFHX3 is on the minus strand). VCF-style: chr16-72959835-G-A. GRCh37 (hg19) VCF-style: chr16-72993734-G-A.
Other names: c.311C>T, p.Pro104Leu (NM_001386735.1); c.-23-8870C>T (NM_001164766.2); short protein forms P104L.
Identifiers: ClinVar variation 3053402 (VCV003053402.13), dbSNP rs141939410, ClinGen allele CA8165030.